The following is an entry in ClinVar:

ClinVar aggregate classification (germline): Uncertain significance. Review status: criteria provided, multiple submitters, no conflicts (2 of 4 stars). 3 submissions from 3 submitters: Uncertain significance (3). Last evaluated 2022-02-12.

Conditions:
Autoinflammation-PLCG2-associated antibody deficiency-immune dysregulation. Also called: Autoinflammation, antibody deficiency, and immune dysregulation, plcg2-associated; AUTOINFLAMMATION, ANTIBODY DEFICIENCY, AND IMMUNE DYSREGULATION; Autoinflammation, antibody deficiency, and immune dysregulation syndrome. Identifiers: Orphanet 324530, MedGen C3553961, MONDO:0013944, OMIM 614878.
Familial cold autoinflammatory syndrome 3 (FCAS3). Also called: FAMILIAL ATYPICAL COLD URTICARIA; ANTIBODY DEFICIENCY AND IMMUNE DYSREGULATION, PLCG2-ASSOCIATED. Identifiers: Orphanet 300359, MedGen C3280914, MONDO:0013766, OMIM 614468.

Allele frequency attached by ClinVar (database versions not stated): gnomAD 0.00001; gnomAD exomes 0.00001; TOPMed 0.00001; ExAC 0.00003.
gnomAD v4.1: 8 of 1,614,002 alleles (0.0005%); highest among the groups gnomAD compares: Non-Finnish European, 0.00068%; no homozygotes.

Submissions (3):

Fulgent Genetics
Classification: Uncertain significance for Familial cold autoinflammatory syndrome 3; Autoinflammation-PLCG2-associated antibody deficiency-immune dysregulation. Last evaluated: 2022-02-12. Review status: criteria provided, single submitter. Criteria: ACMG Guidelines, 2015. Collection method: clinical testing. Allele origin: unknown.

GeneDx
Classification: Uncertain significance. Last evaluated: 2020-01-21. Review status: criteria provided, single submitter. Criteria: GeneDx Variant Classification Process June 2021. Collection method: clinical testing. Allele origin: germline. Affected: yes.
Comment: In silico analysis, which includes protein predictors and evolutionary conservation, supports that this variant does not alter protein structure/function; Has not been previously published as pathogenic or benign to our knowledge

Blueprint Genetics
Classification: Uncertain significance. Last evaluated: 2019-11-22. Review status: criteria provided, single submitter. Criteria: ACMG Guidelines, 2015. Collection method: clinical testing. Allele origin: germline.

NM_002661.5(PLCG2):c.2102A>G (p.His701Arg)

Gene: PLCG2 (phospholipase C gamma 2; plus strand). Cytogenetic location: 16q23.3.
Variant type: single nucleotide variant.
Coding change: c.2102A>G on transcript NM_002661.5 (MANE Select); coding-DNA position 2102, A replaced by G.
Protein change: p.His701Arg; replaces histidine 701 with arginine.
Molecular consequence: missense variant.
Genome position (GRCh38, 1-based): chr16:81,919,531, A>G. VCF-style: chr16-81919531-A-G. GRCh37 (hg19) VCF-style: chr16-81953136-A-G.
Other names: short protein forms H701R.
Identifiers: ClinVar variation 1314587 (VCV001314587.4), dbSNP rs777219718, ClinGen allele CA8194093.